The following is an entry in ClinVar:

ClinVar aggregate classification (germline): Uncertain significance. Review status: criteria provided, multiple submitters, no conflicts (2 of 4 stars). 2 submissions from 2 submitters: Uncertain significance (2). Last evaluated 2022-10-17.

Conditions:
Inborn genetic diseases. Identifiers: MedGen C0950123, MeSH D030342.
Congenital myasthenic syndrome 8. Also called: MYASTHENIC SYNDROME, CONGENITAL, DUE TO AGRIN DEFICIENCY; Myasthenic syndrome, congenital, 8, with pre- and postsynaptic defects. Identifiers: Orphanet 590, MedGen C3808739, MONDO:0014052, OMIM 615120.

Allele frequency attached by ClinVar (database versions not stated): gnomAD 0.00001; gnomAD exomes 0.00001 and 0.00002; ExAC 0.00002; TOPMed 0.00002.
gnomAD v4.1: 28 of 1,613,162 alleles (0.0017%); highest among the groups gnomAD compares: Middle Eastern, 0.033%; no homozygotes.

Submissions (2):

Labcorp Genetics (formerly Invitae), Labcorp
Classification: Uncertain significance for Congenital myasthenic syndrome 8. Last evaluated: 2022-10-17. Review status: criteria provided, single submitter. Criteria: Invitae Variant Classification Sherloc (09022015). Collection method: clinical testing. Allele origin: germline.
Comment: This sequence change replaces arginine, which is basic and polar, with glutamine, which is neutral and polar, at codon 688 of the AGRN protein (p.Arg688Gln). This variant is present in population databases (rs780817353, gnomAD 0.007%). This variant has not been reported in the literature in individuals affected with AGRN-related conditions. ClinVar contains an entry for this variant (Variation ID: 860726). Algorithms developed to predict the effect of missense changes on protein structure and function output the following: SIFT: "Tolerated"; PolyPhen-2: "Possibly Damaging"; Align-GVGD: "Class C0". The glutamine amino acid residue is found in multiple mammalian species, which suggests that this missense change does not adversely affect protein function. In summary, the available evidence is currently insufficient to determine the role of this variant in disease. Therefore, it has been classified as a Variant of Uncertain Significance.

Ambry Genetics
Classification: Uncertain significance for Inborn genetic diseases. Last evaluated: 2021-09-16. Review status: criteria provided, single submitter. Criteria: Ambry Variant Classification Scheme 2023. Collection method: clinical testing. Allele origin: germline.

NM_198576.4(AGRN):c.2063G>A (p.Arg688Gln)

Gene: AGRN (agrin; plus strand). Cytogenetic location: 1p36.33.
Variant type: single nucleotide variant.
Coding change: c.2063G>A on transcript NM_198576.4 (MANE Select); coding-DNA position 2063, G replaced by A.
Protein change: p.Arg688Gln; replaces arginine 688 with glutamine.
Molecular consequence: missense variant.
Genome position (GRCh38, 1-based): chr1:1,044,172, G>A. VCF-style: chr1-1044172-G-A. GRCh37 (hg19) VCF-style: chr1-979552-G-A.
Other names: c.2063G>A, p.Arg688Gln (NM_001305275.2); c.1748G>A, p.Arg583Gln (NM_001364727.2); short protein forms R583Q, R688Q.
Identifiers: ClinVar variation 860726 (VCV000860726.7), dbSNP rs780817353, ClinGen allele CA508454.
Genomic context (GRCh38, chr1:1,044,172, plus strand): 5'-AGTGCGGTTCCGGAGGCTCTGGCTCTGGGGAGGACGGTGACTGTGAGCAGGAGCTGTGCC[G>A]GCAGCGCGGTGGCATCTGGGACGAGGACTCGGAGGACGGGCCGTGTGTCTGTGACTTCAG-3'
Protein context (NP_940978.2, residues 678-698): EDGDCEQELC[Arg688Gln]QRGGIWDEDS